The following is an entry in ClinVar:

NM_014249.4(NR2E3):c.208T>C (p.Phe70Leu)

Gene: NR2E3 (nuclear receptor subfamily 2 group E member 3; plus strand). Cytogenetic location: 15q23.
Variant type: single nucleotide variant.
Coding change: c.208T>C on transcript NM_014249.4 (MANE Select); coding-DNA position 208, T replaced by C.
Protein change: p.Phe70Leu; replaces phenylalanine 70 with leucine.
Molecular consequence: missense variant.
Genome position (GRCh38, 1-based): chr15:71,811,572, T>C. VCF-style: chr15-71811572-T-C. GRCh37 (hg19) VCF-style: chr15-72103912-T-C.
Other names: c.208T>C, p.Phe70Leu (NM_016346.4); short protein forms F70L.
Identifiers: ClinVar variation 933381 (VCV000933381.8), dbSNP rs2054180901, ClinGen allele CA393032120.

ClinVar aggregate classification (germline): Uncertain significance (1 of 4 stars; one submission).

Submission:

Labcorp Genetics (formerly Invitae), Labcorp
Classification: Uncertain significance. Last evaluated: 2024-10-21. Review status: criteria provided, single submitter. Criteria: Invitae Variant Classification Sherloc (09022015). Collection method: clinical testing. Allele origin: germline.
Comment: This sequence change replaces phenylalanine, which is neutral and non-polar, with leucine, which is neutral and non-polar, at codon 70 of the NR2E3 protein (p.Phe70Leu). This variant is not present in population databases (gnomAD no frequency). This variant has not been reported in the literature in individuals affected with NR2E3-related conditions. ClinVar contains an entry for this variant (Variation ID: 933381). Invitae Evidence Modeling of protein sequence and biophysical properties (such as structural, functional, and spatial information, amino acid conservation, physicochemical variation, residue mobility, and thermodynamic stability) indicates that this missense variant is expected to disrupt NR2E3 protein function with a positive predictive value of 80%. In summary, the available evidence is currently insufficient to determine the role of this variant in disease. Therefore, it has been classified as a Variant of Uncertain Significance.